The following is an entry in ClinVar:

ClinVar aggregate classification (germline): Uncertain significance (1 of 4 stars; one submission).

Conditions:
Gastrointestinal stromal tumor. Also called: Gastrointestinal stroma tumor; Gastrointestinal stromal tumor, somatic. Identifiers: Orphanet 44890, MedGen C0238198, MeSH D046152, MONDO:0011719, OMIM 606764, HP:0100723.

Submission:

Labcorp Genetics (formerly Invitae), Labcorp
Classification: Uncertain significance for Gastrointestinal stromal tumor. Last evaluated: 2016-04-09. Review status: criteria provided, single submitter. Criteria: Invitae Variant Classification Sherloc (09022015). Collection method: clinical testing. Allele origin: germline.
Comment: A gross duplication of the genomic region encompassing the full coding sequence of the KIT gene has been identified. The boundaries of this event are unknown as the duplication extends beyond the assayed region for this gene and therefore may encompass additional genes. As the precise location of this duplication is unknown, it may be in tandem or it may be located elsewhere in the genome. This particular duplication has not been reported previously in the literature. In summary, this is a duplication involving the entire coding region of the KIT gene. However, the genomic location and orientation of the duplicated sequence is unknown. For these reasons, this change has been classified as a Variant of Uncertain Significance.

NC_000004.11:g.(?_55524095)_(55606881_?)dup

Gene: KIT (KIT proto-oncogene, receptor tyrosine kinase; plus strand). Cytogenetic location: 4q12.
Variant type: Duplication.
Identifiers: ClinVar variation 417475 (VCV000417475.1).